The following is an entry in ClinVar:

ClinVar aggregate classification (germline): Uncertain significance (1 of 4 stars; one submission).

Allele frequency attached by ClinVar (database versions not stated): TOPMed below 0.00001.
gnomAD v4.1: 4 of 1,614,006 alleles (0.00025%); highest among the groups gnomAD compares: Non-Finnish European, 0.00025%; no homozygotes.

Submission:

Mayo Clinic Laboratories, Mayo Clinic
Classification: Uncertain significance. Last evaluated: 2022-08-23. Review status: criteria provided, single submitter. Criteria: ACMG Guidelines, 2015. Collection method: clinical testing. Allele origin: germline. Observed: 1 variant allele.
Comment: PM2

NM_001384140.1(PCDH15):c.821C>G (p.Thr274Ser)

Gene: PCDH15 (protocadherin related 15; minus strand). Cytogenetic location: 10q21.1.
Variant type: single nucleotide variant.
Coding change: c.821C>G on transcript NM_001384140.1 (MANE Select); coding-DNA position 821, C replaced by G.
Protein change: p.Thr274Ser; replaces threonine 274 with serine.
Molecular consequence: missense variant.
Genome position (GRCh38, 1-based): chr10:54,317,326, G>C on the plus strand (C>G on the coding strand, the complement: PCDH15 is on the minus strand). VCF-style: chr10-54317326-G-C. GRCh37 (hg19) VCF-style: chr10-56077086-G-C.
Other names: p.Thr274Ser; c.836C>G, p.Thr279Ser (NM_001142763.2, NM_001142769.4, NM_001142771.2); c.821C>G, p.Thr274Ser (NM_001142764.2, NM_001142765.2, NM_001142766.2 and 7 more transcripts); c.710C>G, p.Thr237Ser (NM_001142767.2); c.755C>G, p.Thr252Ser (NM_001142768.2, NM_001142773.2, NM_001354404.2); short protein forms T237S, T252S, T274S, T279S.
Identifiers: ClinVar variation 2683103 (VCV002683103.1), dbSNP rs2061338160, ClinGen allele CA376540865.